The following is an entry in ClinVar:

ClinVar aggregate classification (germline): Uncertain significance (1 of 4 stars; one submission).

Conditions:
Amelogenesis imperfecta hypomaturation type 2A2. Also called: Amelogenesis imperfecta, hypomaturation type, IIA2; AMELOGENESIS IMPERFECTA, PIGMENTED HYPOMATURATION TYPE, 2; Amelogenesis imperfecta, type IIA2. Identifiers: Orphanet 88661, MedGen C2675858, MONDO:0012926, OMIM 612529. Disease mechanism: loss of function.

Submission:

MVZ Medizinische Genetik Mainz
Classification: Uncertain significance for Amelogenesis imperfecta hypomaturation type 2A2. Last evaluated: 2026-08-05. Review status: criteria provided, single submitter. Criteria: UK Practice Guidelines For Variant Classification V4 01 2020. Collection method: clinical testing. Allele origin: germline. Inheritance: Autosomal recessive inheritance. Affected: yes. Observed: 1 variant allele.
Comment: ACMG Criteria: PVS1_MOD,PM2_SUP,PP4

NM_004771.4(MMP20):c.1381del (p.Thr461fs)

Gene: MMP20 (matrix metallopeptidase 20; minus strand). Cytogenetic location: 11q22.2.
Variant type: Deletion.
Coding change: c.1381del on transcript NM_004771.4 (MANE Select); coding-DNA position 1381, one base deleted (A; older notation c.1381delA).
Protein change: p.Thr461fs; shifts the reading frame from threonine 461.
Molecular consequence: frameshift variant.
Genome position (GRCh38, 1-based): chr11:102,577,397, T deleted on the plus strand (A on the coding strand, the reverse complement: MMP20 is on the minus strand); the first of 5 consecutive T bases (chr11:102,577,397-102,577,401); deleting any one gives the same sequence. VCF-style (leftmost placement, unchanged base first): chr11-102577396-GT-G. GRCh37 (hg19) VCF-style: chr11-102448127-GT-G.
Other names: short protein forms T461fs.
Identifiers: ClinVar variation 5038249 (VCV005038249.1).